The following is an entry in ClinVar:

NM_001042517.2(DIAPH3):c.992G>A (p.Arg331Gln)

Gene: DIAPH3 (diaphanous related formin 3; minus strand). Cytogenetic location: 13q21.2.
Variant type: single nucleotide variant.
Coding change: c.992G>A on transcript NM_001042517.2 (MANE Select); coding-DNA position 992, G replaced by A.
Protein change: p.Arg331Gln; replaces arginine 331 with glutamine.
Molecular consequence: missense variant.
Genome position (GRCh38, 1-based): chr13:60,008,566, C>T on the plus strand (G>A on the coding strand, the complement: DIAPH3 is on the minus strand). VCF-style: chr13-60008566-C-T. GRCh37 (hg19) VCF-style: chr13-60582700-C-T.
Other names: c.992G>A (NM_001042517.1); c.959G>A, p.Arg320Gln (NM_001258366.2); c.854G>A, p.Arg285Gln (NM_001258367.2); c.782G>A, p.Arg261Gln (NM_001258368.2); c.992G>A, p.Arg331Gln (NM_001258369.2); c.203G>A, p.Arg68Gln (NM_001258370.2, NM_030932.4); short protein forms R331Q, R68Q, R261Q, R285Q, R320Q.
Identifiers: ClinVar variation 1992164 (VCV001992164.5), dbSNP rs1037832135, ClinGen allele CA250966943.

ClinVar aggregate classification (germline): Uncertain significance. Review status: criteria provided, multiple submitters, no conflicts (2 of 4 stars). 2 submissions from 2 submitters: Uncertain significance (2). Last evaluated 2026-06-01.

Conditions:
DIAPH3-related disorder. Also called: DIAPH3-related condition.

Allele frequency attached by ClinVar (database versions not stated): gnomAD 0.00001; TOPMed 0.00002.
gnomAD v4.1: 20 of 1,613,046 alleles (0.0012%); highest among the groups gnomAD compares: East Asian, 0.0067%; no homozygotes.

Submissions (2):

PreventionGenetics, part of Exact Sciences
Classification: Uncertain significance for DIAPH3-related condition. Last evaluated: 2026-06-01. Review status: criteria provided, single submitter. Criteria: ACMG Guidelines, 2015. Collection method: clinical testing. Allele origin: germline.
Comment: The DIAPH3 c.992G>A variant is predicted to result in the amino acid substitution p.Arg331Gln. To our knowledge, this variant has not been reported in the literature. This variant is reported in 0.0056% of alleles in individuals of East Asian descent in gnomAD. At this time, the clinical significance of this variant is uncertain due to the absence of conclusive functional and genetic evidence.

Labcorp Genetics (formerly Invitae), Labcorp
Classification: Uncertain significance. Last evaluated: 2024-10-15. Review status: criteria provided, single submitter. Criteria: Invitae Variant Classification Sherloc (09022015). Collection method: clinical testing. Allele origin: germline.
Comment: This sequence change replaces arginine, which is basic and polar, with glutamine, which is neutral and polar, at codon 331 of the DIAPH3 protein (p.Arg331Gln). This variant is present in population databases (no rsID available, gnomAD 0.006%). This variant has not been reported in the literature in individuals affected with DIAPH3-related conditions. ClinVar contains an entry for this variant (Variation ID: 1992164). An algorithm developed to predict the effect of missense changes on protein structure and function outputs the following: PolyPhen-2: "Benign". The glutamine amino acid residue is found in multiple mammalian species, which suggests that this missense change does not adversely affect protein function. In summary, the available evidence is currently insufficient to determine the role of this variant in disease. Therefore, it has been classified as a Variant of Uncertain Significance.